The following is an entry in ClinVar:

NM_000426.4(LAMA2):c.4297del (p.Thr1433fs)

Gene: LAMA2 (laminin subunit alpha 2; plus strand). Cytogenetic location: 6q22.33.
Variant type: Deletion.
Coding change: c.4297del on transcript NM_000426.4 (MANE Select); coding-DNA position 4297, one base deleted (A; older notation c.4297delA).
Protein change: p.Thr1433fs; shifts the reading frame from threonine 1433.
Molecular consequence: frameshift variant.
Genome position (GRCh38, 1-based): chr6:129,328,398, A deleted; the last of 3 consecutive A bases (chr6:129,328,396-129,328,398); deleting any one gives the same sequence. VCF-style (leftmost placement, unchanged base first): chr6-129328395-GA-G. GRCh37 (hg19) VCF-style: chr6-129649540-GA-G.
Other names: c.4297del, p.Thr1433fs (NM_001079823.2); short protein forms T1433fs.
Identifiers: ClinVar variation 1422385 (VCV001422385.6), dbSNP rs2114533123, ClinGen allele CA2573140466.

ClinVar aggregate classification (germline): Pathogenic (1 of 4 stars; one submission).

Conditions:
LAMA2-related muscular dystrophy (LAMA2-RD). Also called: Laminin alpha 2-related dystrophy. Identifiers: MedGen C5679788, MONDO:0100228.

Submission:

Labcorp Genetics (formerly Invitae), Labcorp
Classification: Pathogenic for LAMA2-related muscular dystrophy. Last evaluated: 2021-02-10. Review status: criteria provided, single submitter. Criteria: Invitae Variant Classification Sherloc (09022015). Collection method: clinical testing. Allele origin: germline.
Comment: For these reasons, this variant has been classified as Pathogenic. This variant has not been reported in the literature in individuals with LAMA2-related conditions. This variant is not present in population databases (ExAC no frequency). This sequence change creates a premature translational stop signal (p.Thr1433Hisfs*41) in the LAMA2 gene. It is expected to result in an absent or disrupted protein product. Loss-of-function variants in LAMA2 are known to be pathogenic (PMID: 18700894).

Literature cited by the submitters: PubMed 18700894.